The following is an entry in ClinVar:

NM_013447.4(ADGRE2):c.101C>A (p.Pro34His)

Gene: ADGRE2 (adhesion G protein-coupled receptor E2; minus strand). Cytogenetic location: 19p13.12.
Variant type: single nucleotide variant.
Coding change: c.101C>A on transcript NM_013447.4 (MANE Select); coding-DNA position 101, C replaced by A.
Protein change: p.Pro34His; replaces proline 34 with histidine.
Molecular consequence: missense variant.
Genome position (GRCh38, 1-based): chr19:14,774,036, G>T on the plus strand (C>A on the coding strand, the complement: ADGRE2 is on the minus strand). VCF-style: chr19-14774036-G-T. GRCh37 (hg19) VCF-style: chr19-14884848-G-T.
Other names: c.101C>A, p.Pro34His (NM_001271052.1, NM_152916.2, NM_152917.2); short protein forms P34H.
Identifiers: ClinVar variation 2728201 (VCV002728201.3), dbSNP rs912959685, ClinGen allele CA305726511.
Genomic context (GRCh38, chr19:14,774,036, plus strand): 5'-AAAGAGCTGAACCCTGGATTGCAGCGACAGGCGGTGGCATTGACACACGAGGAGTCCTGA[G>T]GGCACCACCGGGCACAGCCTGCAAGAGCAGGGAGCACGGTCAGAAGGTGAGGGGTAAGGG-3'
Protein context (NP_038475.2, residues 24-44): QDSRGCARWC[Pro34His]QDSSCVNATA

ClinVar aggregate classification (germline): Uncertain significance (1 of 4 stars; one submission).

Allele frequency attached by ClinVar (database versions not stated): TOPMed below 0.00001; gnomAD exomes 0.00002.
gnomAD v4.1: 25 of 1,614,024 alleles (0.0015%); highest among the groups gnomAD compares: Non-Finnish European, 0.0021%; no homozygotes.

Submission:

Labcorp Genetics (formerly Invitae), Labcorp
Classification: Uncertain significance. Last evaluated: 2024-03-18. Review status: criteria provided, single submitter. Criteria: Invitae Variant Classification Sherloc (09022015). Collection method: clinical testing. Allele origin: germline.
Comment: This sequence change replaces proline, which is neutral and non-polar, with histidine, which is basic and polar, at codon 34 of the ADGRE2 protein (p.Pro34His). This variant is not present in population databases (gnomAD no frequency). This variant has not been reported in the literature in individuals affected with ADGRE2-related conditions. An algorithm developed to predict the effect of missense changes on protein structure and function (PolyPhen-2) suggests that this variant is likely to be disruptive. In summary, the available evidence is currently insufficient to determine the role of this variant in disease. Therefore, it has been classified as a Variant of Uncertain Significance.